The following is an entry in ClinVar:

NM_000384.3(APOB):c.9062A>T (p.His3021Leu)

Gene: APOB (apolipoprotein B; minus strand). Cytogenetic location: 2p24.1.
Variant type: single nucleotide variant.
Coding change: c.9062A>T on transcript NM_000384.3 (MANE Select); coding-DNA position 9062, A replaced by T.
Protein change: p.His3021Leu; replaces histidine 3021 with leucine.
Molecular consequence: missense variant.
Genome position (GRCh38, 1-based): chr2:21,007,806, T>A on the plus strand (A>T on the coding strand, the complement: APOB is on the minus strand). VCF-style: chr2-21007806-T-A. GRCh37 (hg19) VCF-style: chr2-21230678-T-A.
Other names: short protein forms H3021L.
Identifiers: ClinVar variation 2586173 (VCV002586173.2), dbSNP rs1663187702, ClinGen allele CA345992519.

ClinVar aggregate classification (germline): Uncertain significance (1 of 4 stars; one submission).

Conditions:
Cardiovascular phenotype. Identifiers: MedGen CN230736.

Allele frequency attached by ClinVar (database versions not stated): gnomAD exomes below 0.00001.

Submission:

Ambry Genetics
Classification: Uncertain significance for Cardiovascular phenotype. Last evaluated: 2023-06-22. Review status: criteria provided, single submitter. Criteria: Ambry Variant Classification Scheme 2023. Collection method: clinical testing. Allele origin: germline.
Comment: The p.H3021L variant (also known as c.9062A>T), located in coding exon 26 of the APOB gene, results from an A to T substitution at nucleotide position 9062. The histidine at codon 3021 is replaced by leucine, an amino acid with similar properties. This amino acid position is conserved. In addition, the in silico prediction for this alteration is inconclusive. Since supporting evidence is limited at this time, the clinical significance of this alteration remains unclear.